The following is an entry in ClinVar:

NM_213618.2(DENND2B):c.-25-25462_-25-25461insGGGTGTGTGTGTGTGTGTGT

Genes: DENND2B (DENN domain containing 2B; minus strand), DENND2B-AS1 (DENND2B antisense RNA 1; plus strand). Cytogenetic location: 11p15.4.
Variant type: Microsatellite.
Coding change: c.-25-25462_-25-25461insGGGTGTGTGTGTGTGTGTGT on transcript NM_213618.2 (MANE Select); 25462 bases into the intron before 25 bases upstream of the start codon through 25461 bases into the intron before 25 bases upstream of the start codon, GGGTGTGTGTGTGTGTGTGT inserted.
Molecular consequence: intron variant.
Genome position: GRCh38 VCF-style: chr11-8776186-A-ACACACACACACACACACACC. GRCh37 (hg19) VCF-style: chr11-8797733-A-ACACACACACACACACACACC.
Other names: c.-25-25462_-25-25461insGGGTGTGTGTGTGTGTGTGT (NM_005418.4, NM_001376496.1, NM_139157.3 and 6 more transcripts); c.-108+34330_-108+34331insGGGTGTGTGTGTGTGTGTGT (NM_001376505.1); c.-245+34330_-245+34331insGGGTGTGTGTGTGTGTGTGT (NM_001376506.1); c.-461+34330_-461+34331insGGGTGTGTGTGTGTGTGTGT (NM_001376499.1); c.-204-25462_-204-25461insGGGTGTGTGTGTGTGTGTGT (NM_001376500.1); c.-26+18500_-26+18501insGGGTGTGTGTGTGTGTGTGT (NM_001376502.1).
Identifiers: ClinVar variation 2641585 (VCV002641585.24), dbSNP rs761084725.
Genomic context (GRCh38, chr11:8,776,186, plus strand): 5'-ACACAGACACGCACGTGCGCGCACGCGCGCGCGCGCACACACACACACACACACACACAC[A>ACACACACACACACACACACC]CCTACCTCTCTCCAGGCAGGACACCTTCTGCTCCAAACATGTCCACGTGTCCATTTCTGC-3'

ClinVar aggregate classification (germline): Benign (1 of 4 stars; one submission).

Submission:

CeGaT Center for Human Genetics Tuebingen
Classification: Benign. Last evaluated: 2022-03-01. Review status: criteria provided, single submitter. Criteria: CeGaT Center For Human Genetics Tuebingen Variant Classification Criteria Version 2. Collection method: clinical testing. Allele origin: germline. Affected: yes. Observed: 1 variant allele.
Comment: DENND2B: BS1, BS2